The following is an entry in ClinVar:

ClinVar aggregate classification (germline): Uncertain significance (1 of 4 stars; one submission).

Conditions:
Inborn genetic diseases. Identifiers: MedGen C0950123, MeSH D030342.

Submission:

Ambry Genetics
Classification: Uncertain significance for Inborn genetic diseases. Last evaluated: 2026-03-20. Review status: criteria provided, single submitter. Criteria: Ambry Variant Classification Scheme 2023. Collection method: clinical testing. Allele origin: germline.
Comment: The p.K204N variant (also known as c.612G>T), located in coding exon 3 of the PIK3CA gene, results from a G to T substitution at nucleotide position 612. The lysine at codon 204 is replaced by asparagine, an amino acid with similar properties. This amino acid position is conserved. In addition, this alteration is predicted to be tolerated by in silico analysis. Based on the available evidence, the clinical significance of this variant remains unclear.

NM_006218.4(PIK3CA):c.612G>T (p.Lys204Asn)

Gene: PIK3CA (phosphatidylinositol-4,5-bisphosphate 3-kinase catalytic subunit alpha; plus strand). Cytogenetic location: 3q26.32.
Variant type: single nucleotide variant.
Coding change: c.612G>T on transcript NM_006218.4 (MANE Select); coding-DNA position 612, G replaced by T.
Protein change: p.Lys204Asn; replaces lysine 204 with asparagine.
Molecular consequence: missense variant.
Genome position (GRCh38, 1-based): chr3:179,201,339, G>T. VCF-style: chr3-179201339-G-T. GRCh37 (hg19) VCF-style: chr3-178919127-G-T.
Other names: short protein forms K204N.
Identifiers: ClinVar variation 4861868 (VCV004861868.1).
Genomic context (GRCh38, chr3:179,201,339, plus strand): 5'-TCCTGTTATAGGGCAAATAATAGTGGTGATCTGGGTAATAGTTTCTCCAAATAATGACAA[G>T]CAGAAGTATACTCTGAAAATCAACCATGACTGTGTACCAGAACAAGTAATTGCTGAAGCA-3'
Protein context (NP_006209.2, residues 194-214): IWVIVSPNND[Lys204Asn]QKYTLKINHD